The following is an entry in ClinVar:

ClinVar aggregate classification (germline): Uncertain significance (1 of 4 stars; one submission).

Allele frequency attached by ClinVar (database versions not stated): gnomAD 0.00001; TOPMed 0.00001.
gnomAD v4.1: 6 of 1,613,374 alleles (0.00037%); highest among the groups gnomAD compares: Admixed American, 0.005%; no homozygotes.

Submission:

Labcorp Genetics (formerly Invitae), Labcorp
Classification: Uncertain significance. Last evaluated: 2020-05-20. Review status: criteria provided, single submitter. Criteria: Invitae Variant Classification Sherloc (09022015). Collection method: clinical testing. Allele origin: germline.
Comment: This variant has not been reported in the literature in individuals with ORC6-related conditions. In summary, the available evidence is currently insufficient to determine the role of this variant in disease. Therefore, it has been classified as a Variant of Uncertain Significance. Algorithms developed to predict the effect of missense changes on protein structure and function are either unavailable or do not agree on the potential impact of this missense change (SIFT: "Tolerated"; PolyPhen-2: "Probably Damaging"; Align-GVGD: "Class C0"). This variant is present in population databases (rs772273539, ExAC 0.003%). This sequence change replaces arginine with glutamine at codon 174 of the ORC6 protein (p.Arg174Gln). The arginine residue is highly conserved and there is a small physicochemical difference between arginine and glutamine.

NM_014321.4(ORC6):c.521G>A (p.Arg174Gln)

Gene: ORC6 (origin recognition complex subunit 6; plus strand). Cytogenetic location: 16q11.2.
Variant type: single nucleotide variant.
Coding change: c.521G>A on transcript NM_014321.4 (MANE Select); coding-DNA position 521, G replaced by A.
Protein change: p.Arg174Gln; replaces arginine 174 with glutamine.
Molecular consequence: missense variant. On other transcripts: non-coding transcript variant (1).
Genome position (GRCh38, 1-based): chr16:46,695,633, G>A. VCF-style: chr16-46695633-G-A. GRCh37 (hg19) VCF-style: chr16-46729545-G-A.
Other names: short protein forms R174Q.
Identifiers: ClinVar variation 1003283 (VCV001003283.8), dbSNP rs772273539, ClinGen allele CA8037412.